The following is an entry in ClinVar:

NM_024529.5(CDC73):c.659T>C (p.Val220Ala)

Gene: CDC73 (cell division cycle 73; plus strand). Cytogenetic location: 1q31.2.
Variant type: single nucleotide variant.
Coding change: c.659T>C on transcript NM_024529.5 (MANE Select); coding-DNA position 659, T replaced by C.
Protein change: p.Val220Ala; replaces valine 220 with alanine.
Molecular consequence: missense variant.
Genome position (GRCh38, 1-based): chr1:193,141,996, T>C. VCF-style: chr1-193141996-T-C. GRCh37 (hg19) VCF-style: chr1-193111126-T-C.
Other names: short protein forms V220A.
Identifiers: ClinVar variation 294412 (VCV000294412.16), dbSNP rs886045713, ClinGen allele CA10608625.
Genomic context (GRCh38, chr1:193,141,996, plus strand): 5'-ATCTAGATGATGACATAACTGCCCTTAAACAGAGGAGTTTTGTGGATGCTGAGGTAGATG[T>C]GACCCGAGATATTGTCAGCAGAGAGAGAGTATGGAGGACACGAACAACTATCTTACAAAG-3'
Protein context (NP_078805.3, residues 210-230): QRSFVDAEVD[Val220Ala]TRDIVSRERV

ClinVar aggregate classification (germline): Uncertain significance. Review status: criteria provided, multiple submitters, no conflicts (2 of 4 stars). 5 submissions from 3 submitters: Uncertain significance (5). Last evaluated 2025-10-31.

Conditions:
Hereditary cancer-predisposing syndrome. Also called: Hereditary Cancer Syndrome; Neoplastic Syndromes, Hereditary; Hereditary neoplastic syndrome; Tumor predisposition. Identifiers: Orphanet 140162, MedGen C0027672, MeSH D009386, MONDO:0015356.
Parathyroid carcinoma (PRTC). Also called: Parathyroid gland carcinoma; CDC73-Related Parathyroid Carcinoma. Identifiers: Orphanet 143, MedGen C0687150, MONDO:0012004, OMIM 608266, HP:0006780.
Hyperparathyroidism 1 (HRPT1). Also called: HYPERPARATHYROIDISM, FAMILIAL ISOLATED PRIMARY. Identifiers: Orphanet 99879, MedGen C1840402, MONDO:0007767, OMIM 145000.
Hyperparathyroidism 2 with jaw tumors. Also called: Hyperparathyroidism 2; HYPERPARATHYROIDISM, FAMILIAL PRIMARY, WITH MULTIPLE OSSIFYING JAW FIBROMAS; HYPERPARATHYROIDISM-JAW TUMOR SYNDROME, HEREDITARY; Hyperparathyroidism-Jaw Tumor Syndrome. Identifiers: Orphanet 99880, MedGen C1704981, MONDO:0007768, OMIM 145001.

Submissions (5):

Labcorp Genetics (formerly Invitae), Labcorp
Classification: Uncertain significance for Parathyroid carcinoma. Last evaluated: 2025-10-31. Review status: criteria provided, single submitter. Criteria: Invitae Variant Classification Sherloc (09022015). Collection method: clinical testing. Allele origin: germline.
Comment: This sequence change replaces valine, which is neutral and non-polar, with alanine, which is neutral and non-polar, at codon 220 of the CDC73 protein (p.Val220Ala). This variant is not present in population databases (gnomAD no frequency). This variant has not been reported in the literature in individuals affected with CDC73-related conditions. ClinVar contains an entry for this variant (Variation ID: 294412). Invitae Evidence Modeling of protein sequence and biophysical properties (such as structural, functional, and spatial information, amino acid conservation, physicochemical variation, residue mobility, and thermodynamic stability) indicates that this missense variant is not expected to disrupt CDC73 protein function with a negative predictive value of 80%. In summary, the available evidence is currently insufficient to determine the role of this variant in disease. Therefore, it has been classified as a Variant of Uncertain Significance.

Ambry Genetics
Classification: Uncertain significance for Hereditary cancer-predisposing syndrome. Last evaluated: 2024-11-06. Review status: criteria provided, single submitter. Criteria: Ambry Variant Classification Scheme 2023. Collection method: clinical testing. Allele origin: germline.
Comment: The p.V220A variant (also known as c.659T>C), located in coding exon 7 of the CDC73 gene, results from a T to C substitution at nucleotide position 659. The valine at codon 220 is replaced by alanine, an amino acid with similar properties. This amino acid position is well conserved in available vertebrate species. In addition, this alteration is predicted to be tolerated by in silico analysis. Based on the available evidence, the clinical significance of this variant remains unclear.

Illumina Laboratory Services, Illumina
Classification: Uncertain significance for Parathyroid carcinoma. Last evaluated: 2018-01-12. Review status: criteria provided, single submitter. Criteria: ICSL Variant Classification Criteria 13 December 2019. Collection method: clinical testing. Allele origin: germline.

Illumina Laboratory Services, Illumina
Classification: Uncertain significance for Hyperparathyroidism 2 with jaw tumors. Last evaluated: 2018-01-12. Review status: criteria provided, single submitter. Criteria: ICSL Variant Classification Criteria 13 December 2019. Collection method: clinical testing. Allele origin: germline.

Illumina Laboratory Services, Illumina
Classification: Uncertain significance for Hyperparathyroidism 1. Last evaluated: 2018-01-12. Review status: criteria provided, single submitter. Criteria: ICSL Variant Classification Criteria 13 December 2019. Collection method: clinical testing. Allele origin: germline.